The following is an entry in ClinVar:

NM_001298.3(CNGA3):c.2081A>G (p.Gln694Arg)

Gene: CNGA3 (cyclic nucleotide gated channel subunit alpha 3; plus strand). Cytogenetic location: 2q11.2.
Variant type: single nucleotide variant.
Coding change: c.2081A>G on transcript NM_001298.3 (MANE Select); coding-DNA position 2081, A replaced by G.
Protein change: p.Gln694Arg; replaces glutamine 694 with arginine.
Molecular consequence: missense variant.
Genome position (GRCh38, 1-based): chr2:98,397,251, A>G. VCF-style: chr2-98397251-A-G. GRCh37 (hg19) VCF-style: chr2-99013714-A-G.
Other names: c.2027A>G, p.Gln676Arg (NM_001079878.2); short protein forms Q676R, Q694R.
Identifiers: ClinVar variation 962000 (VCV000962000.7), dbSNP rs947764588, ClinGen allele CA52636175.

ClinVar aggregate classification (germline): Uncertain significance (1 of 4 stars; one submission).

Allele frequency attached by ClinVar (database versions not stated): gnomAD exomes below 0.00001.
gnomAD v4.1: 3 of 1,613,590 alleles (0.00019%); highest among the groups gnomAD compares: East Asian, 0.0022%; no homozygotes.

Submission:

Labcorp Genetics (formerly Invitae), Labcorp
Classification: Uncertain significance. Last evaluated: 2024-10-08. Review status: criteria provided, single submitter. Criteria: Invitae Variant Classification Sherloc (09022015). Collection method: clinical testing. Allele origin: germline.
Comment: This sequence change replaces glutamine, which is neutral and polar, with arginine, which is basic and polar, at codon 694 of the CNGA3 protein (p.Gln694Arg). This variant is present in population databases (no rsID available, gnomAD 0.006%). This variant has not been reported in the literature in individuals affected with CNGA3-related conditions. ClinVar contains an entry for this variant (Variation ID: 962000). Invitae Evidence Modeling of protein sequence and biophysical properties (such as structural, functional, and spatial information, amino acid conservation, physicochemical variation, residue mobility, and thermodynamic stability) indicates that this missense variant is not expected to disrupt CNGA3 protein function with a negative predictive value of 95%. In summary, the available evidence is currently insufficient to determine the role of this variant in disease. Therefore, it has been classified as a Variant of Uncertain Significance.